The following is an entry in ClinVar:

NM_015703.5(RRP7A):c.837G>C (p.Pro279=)

Gene: RRP7A (ribosomal RNA processing 7 homolog A; minus strand). Cytogenetic location: 22q13.2.
Variant type: single nucleotide variant.
Coding change: c.837G>C on transcript NM_015703.5 (MANE Select); coding-DNA position 837, G replaced by C.
Protein change: p.Pro279=; no amino-acid change (proline 279 retained).
Molecular consequence: synonymous variant.
Genome position (GRCh38, 1-based): chr22:42,512,916, C>G on the plus strand (G>C on the coding strand, the complement: RRP7A is on the minus strand). VCF-style: chr22-42512916-C-G. GRCh37 (hg19) VCF-style: chr22-42908922-C-G.
Identifiers: ClinVar variation 2653256 (VCV002653256.24), dbSNP rs146115534, ClinGen allele CA10268000.

ClinVar aggregate classification (germline): Likely benign (1 of 4 stars; one submission).

Allele frequency attached by ClinVar (database versions not stated): 1000 Genomes Project 30x 0.00671; 1000 Genomes Project 0.00679.
gnomAD v4.1: 1,698 of 1,611,564 alleles (0.11%); highest among the groups gnomAD compares: South Asian, 0.94%; 17 homozygotes.

Submission:

CeGaT Center for Human Genetics Tuebingen
Classification: Likely benign. Last evaluated: 2026-09-01. Review status: criteria provided, single submitter. Criteria: CeGaT Center For Human Genetics Tuebingen Variant Classification Criteria Version 2. Collection method: clinical testing. Allele origin: germline. Affected: yes. Observed: 3 variant alleles.
Comment: RRP7A: BP4, BP7, BS2